The following is an entry in ClinVar:

NM_007294.4(BRCA1):c.4587_4590del (p.Ile1529fs)

Gene: BRCA1 (BRCA1 DNA repair associated; minus strand). Cytogenetic location: 17q21.31.
Variant type: Deletion.
Coding change: c.4587_4590del on transcript NM_007294.4 (MANE Select); coding-DNA positions 4587 to 4590, 4 bases deleted (TAAG; older notation c.4587_4590delTAAG).
Protein change: p.Ile1529fs; shifts the reading frame from isoleucine 1529.
Molecular consequence: frameshift variant. On other transcripts: non-coding transcript variant (1).
Genome position (GRCh38, 1-based): chr17:43,074,416-43,074,419, CTTA deleted on the plus strand (TAAG on the coding strand, the reverse complement: BRCA1 is on the minus strand). VCF-style (leftmost placement, unchanged base first): chr17-43074415-CCTTA-C. GRCh37 (hg19) VCF-style: chr17-41226432-CCTTA-C.
Other names: 4706del4; c.4080_4083delTAAG, p.Ile1360Metfs (NM_001407965.1); c.3699_3702delTAAG, p.Ile1233Metfs (NM_001407966.1); c.3696_3699delTAAG, p.Ile1232Metfs (NM_001407967.1); c.1983_1986delTAAG, p.Ile661Metfs (NM_001407968.1); c.1980_1983delTAAG, p.Ile660Metfs (NM_001407969.1); c.1344_1347delTAAG, p.Ile448Metfs (NM_001407970.1, NM_001407971.1); c.1341_1344delTAAG, p.Ile447Metfs (NM_001407972.1); and 72 more; short protein forms I1550fs, I1529fs, I1482fs, I425fs.
Identifiers: ClinVar variation 96935 (VCV000096935.3), dbSNP rs431825409, ClinGen allele CA002917.
Genomic context (GRCh38, chr17:43,074,415, plus strand): 5'-ATGTTTCCGTCAAATCGTGTGGCCCAGACTCTTCCAGCTGTTGCTCCTCCACATCAACAA[CCTTA>C]ATGAGCTCCTCTTGAGATGGGTAGTTTCTATTCTGAAGACTCCCAGAGCAACTGTGCATG-3'

ClinVar aggregate classification (germline): Pathogenic. Review status: reviewed by expert panel (3 of 4 stars). 2 submissions from 2 submitters: Pathogenic (1). 1 of the submissions does not count toward it. Last evaluated 2016-09-08.

Conditions:
Breast-ovarian cancer, familial, susceptibility to, 1 (BROVCA1). Also called: BRCA1 Hereditary Breast and Ovarian Cancer; OVARIAN CANCER, SUSCEPTIBILITY TO. Identifiers: Orphanet 145, MedGen C2676676, MONDO:0011450, OMIM 604370. Disease mechanism: loss of function.

Submissions (2):

Evidence-based Network for the Interpretation of Germline Mutant Alleles (ENIGMA)
Classification: Pathogenic for Breast-ovarian cancer, familial, susceptibility to, 1. Last evaluated: 2016-09-08. Review status: reviewed by expert panel. Criteria: ENIGMA BRCA1/2 Classification Criteria (2015). Collection method: curation. Allele origin: germline.
Comment: Variant allele predicted to encode a truncated non-functional protein.

Sharing Clinical Reports Project (SCRP)
Classification: Pathogenic for Breast-ovarian cancer, familial 1. Last evaluated: 2008-10-13. Review status: no assertion criteria provided. Collection method: clinical testing. Allele origin: germline. Not counted in ClinVar's aggregate classification.